The following is an entry in ClinVar:

ClinVar aggregate classification (germline): Uncertain significance (1 of 4 stars; one submission).

Submission:

Labcorp Genetics (formerly Invitae), Labcorp
Classification: Uncertain significance. Last evaluated: 2024-11-02. Review status: criteria provided, single submitter. Criteria: Invitae Variant Classification Sherloc (09022015). Collection method: clinical testing. Allele origin: germline.
Comment: This sequence change replaces lysine, which is basic and polar, with arginine, which is basic and polar, at codon 251 of the TTC19 protein (p.Lys251Arg). This variant is not present in population databases (gnomAD no frequency). This variant has not been reported in the literature in individuals affected with TTC19-related conditions. Invitae Evidence Modeling of protein sequence and biophysical properties (such as structural, functional, and spatial information, amino acid conservation, physicochemical variation, residue mobility, and thermodynamic stability) indicates that this missense variant is not expected to disrupt TTC19 protein function with a negative predictive value of 80%. Algorithms developed to predict the effect of sequence changes on RNA splicing suggest that this variant may create or strengthen a splice site. In summary, the available evidence is currently insufficient to determine the role of this variant in disease. Therefore, it has been classified as a Variant of Uncertain Significance.

NM_017775.4(TTC19):c.752A>G (p.Lys251Arg)

Gene: TTC19 (tetratricopeptide repeat domain 19; plus strand). Cytogenetic location: 17p12.
Variant type: single nucleotide variant.
Coding change: c.752A>G on transcript NM_017775.4 (MANE Select); coding-DNA position 752, A replaced by G.
Protein change: p.Lys251Arg; replaces lysine 251 with arginine.
Molecular consequence: missense variant.
Genome position (GRCh38, 1-based): chr17:16,025,092, A>G. VCF-style: chr17-16025092-A-G. GRCh37 (hg19) VCF-style: chr17-15928406-A-G.
Other names: c.431A>G, p.Lys144Arg (NM_001271420.2); short protein forms K251R, K144R.
Identifiers: ClinVar variation 3663420 (VCV003663420.2).